The following is an entry in ClinVar:

ClinVar aggregate classification (germline): Conflicting classifications of pathogenicity. Review status: criteria provided, conflicting classifications (1 of 4 stars). 4 submissions from 4 submitters: Uncertain significance (1); Likely benign (2). 1 of the submissions does not count toward it. Last evaluated 2025-12-19.

Conditions:
SYNE2-related disorder. Also called: SYNE2-related condition.
Emery-Dreifuss muscular dystrophy 5, autosomal dominant (EDMD5). Also called: EMERY-DREIFUSS MUSCULAR DYSTROPHY 5. Identifiers: Orphanet 261, MedGen C2751805, MONDO:0013072, OMIM 612999.

Allele frequency attached by ClinVar (database versions not stated): gnomAD exomes 0.00013 and 0.00027; ExAC 0.00034; gnomAD 0.00115 and 0.00121; TOPMed 0.00127; ESP Exome Variant Server 0.00138; 1000 Genomes Project 30x 0.00141; 1000 Genomes Project 0.00180.
gnomAD v4.1: 390 of 1,614,138 alleles (0.024%); highest among the groups gnomAD compares: African/African-American, 0.38%; 1 homozygote.

Submissions (4):

Labcorp Genetics (formerly Invitae), Labcorp
Classification: Likely benign for Emery-Dreifuss muscular dystrophy 5, autosomal dominant. Last evaluated: 2025-12-19. Review status: criteria provided, single submitter. Criteria: Invitae Variant Classification Sherloc (09022015). Collection method: clinical testing. Allele origin: germline.

Revvity Omics, Revvity
Classification: Uncertain significance for Emery-Dreifuss muscular dystrophy 5, autosomal dominant. Last evaluated: 2019-04-15. Review status: criteria provided, single submitter. Criteria: ACMG Guidelines, 2015. Collection method: clinical testing. Allele origin: germline.

Breakthrough Genomics
Classification: Likely benign. Review status: criteria provided, single submitter. Criteria: ACMG Guidelines, 2015. Collection method: not provided. Allele origin: germline. Inheritance: Autosomal dominant inheritance. Affected: yes.

PreventionGenetics, part of Exact Sciences
Classification: Likely benign for SYNE2-related condition. Last evaluated: 2019-05-08. Review status: no assertion criteria provided. Collection method: clinical testing. Allele origin: germline. Not counted in ClinVar's aggregate classification.
Comment: This variant is classified as likely benign based on ACMG/AMP sequence variant interpretation guidelines (Richards et al. 2015 PMID: 25741868, with internal and published modifications).

NM_182914.3(SYNE2):c.18835G>A (p.Ala6279Thr)

Gene: SYNE2 (spectrin repeat containing nuclear envelope protein 2; plus strand). Cytogenetic location: 14q23.2.
Variant type: single nucleotide variant.
Coding change: c.18835G>A on transcript NM_182914.3 (MANE Select); coding-DNA position 18835, G replaced by A.
Protein change: p.Ala6279Thr; replaces alanine 6279 with threonine.
Molecular consequence: missense variant.
Genome position (GRCh38, 1-based): chr14:64,212,072, G>A. VCF-style: chr14-64212072-G-A. GRCh37 (hg19) VCF-style: chr14-64678790-G-A.
Other names: c.18835G>A, p.Ala6279Thr (NM_015180.6); short protein forms A6279T.
Identifiers: ClinVar variation 705080 (VCV000705080.16), dbSNP rs145871645, ClinGen allele CA7224223.